The following is an entry in ClinVar:

NM_001018115.3(FANCD2):c.3466+5T>C

Genes: FANCD2 (FA complementation group D2; plus strand), FANCD2OS (FANCD2 opposite strand; minus strand). Cytogenetic location: 3p25.3.
Variant type: single nucleotide variant.
Coding change: c.3466+5T>C on transcript NM_001018115.3 (MANE Select); 5 bases into the intron after coding-DNA position 3466, T replaced by C.
Molecular consequence: intron variant.
Genome position (GRCh38, 1-based): chr3:10,087,269, T>C. VCF-style: chr3-10087269-T-C. GRCh37 (hg19) VCF-style: chr3-10128953-T-C.
Other names: c.3466+5T>C (NM_001319984.2, NM_033084.6, NM_001374254.1); c.3355+5T>C (NM_001374253.1); c.*44-5738A>G (NM_173472.2).
Identifiers: ClinVar variation 3619099 (VCV003619099.2).

ClinVar aggregate classification (germline): Uncertain significance (1 of 4 stars; one submission).

Conditions:
Fanconi anemia (FA). Also called: Fanconi's anemia. Identifiers: Orphanet 84, MedGen C0015625, MeSH D005199, MONDO:0019391.

gnomAD v4.1: 1 of 1,564,282 alleles (0.000064%); no homozygotes.

Submission:

Labcorp Genetics (formerly Invitae), Labcorp
Classification: Uncertain significance for Fanconi anemia. Last evaluated: 2024-06-25. Review status: criteria provided, single submitter. Criteria: Invitae Variant Classification Sherloc (09022015). Collection method: clinical testing. Allele origin: germline.
Comment: This sequence change falls in intron 34 of the FANCD2 gene. It does not directly change the encoded amino acid sequence of the FANCD2 protein. It affects a nucleotide within the consensus splice site. This variant is not present in population databases (gnomAD no frequency). This variant has not been reported in the literature in individuals affected with FANCD2-related conditions. Variants that disrupt the consensus splice site are a relatively common cause of aberrant splicing (PMID: 17576681, 9536098). Algorithms developed to predict the effect of sequence changes on RNA splicing suggest that this variant is not likely to affect RNA splicing. In summary, the available evidence is currently insufficient to determine the role of this variant in disease. Therefore, it has been classified as a Variant of Uncertain Significance.

Literature cited by the submitters: PubMed 17576681; PubMed 9536098.